The following is an entry in ClinVar:

NM_000944.5(PPP3CA):c.796T>A (p.Cys266Ser)

Gene: PPP3CA (protein phosphatase 3 catalytic subunit alpha; minus strand). Cytogenetic location: 4q24.
Variant type: single nucleotide variant.
Coding change: c.796T>A on transcript NM_000944.5 (MANE Select); coding-DNA position 796, T replaced by A.
Protein change: p.Cys266Ser; replaces cysteine 266 with serine.
Molecular consequence: missense variant.
Genome position (GRCh38, 1-based): chr4:101,083,250, A>T on the plus strand (T>A on the coding strand, the complement: PPP3CA is on the minus strand). VCF-style: chr4-101083250-A-T. GRCh37 (hg19) VCF-style: chr4-102004407-A-T.
Other names: c.796T>A, p.Cys266Ser (NM_001130691.2, NM_001130692.2); short protein forms C266S.
Identifiers: ClinVar variation 1718559 (VCV001718559.5), dbSNP rs2476302554, ClinGen allele CA357948525.

ClinVar aggregate classification (germline): Uncertain significance (1 of 4 stars; one submission).

Submission:

Labcorp Genetics (formerly Invitae), Labcorp
Classification: Uncertain significance. Last evaluated: 2022-09-01. Review status: criteria provided, single submitter. Criteria: Invitae Variant Classification Sherloc (09022015). Collection method: clinical testing. Allele origin: germline.
Comment: In summary, the available evidence is currently insufficient to determine the role of this variant in disease. Therefore, it has been classified as a Variant of Uncertain Significance. Algorithms developed to predict the effect of sequence changes on RNA splicing suggest that this variant may create or strengthen a splice site. Algorithms developed to predict the effect of missense changes on protein structure and function are either unavailable or do not agree on the potential impact of this missense change (SIFT: "Deleterious"; PolyPhen-2: "Benign"; Align-GVGD: "Class C0"). This variant has not been reported in the literature in individuals affected with PPP3CA-related conditions. This variant is not present in population databases (gnomAD no frequency). This sequence change replaces cysteine, which is neutral and slightly polar, with serine, which is neutral and polar, at codon 266 of the PPP3CA protein (p.Cys266Ser).